The following is an entry in ClinVar:

NM_152594.3(SPRED1):c.907A>C (p.Ser303Arg)

Gene: SPRED1 (sprouty related EVH1 domain containing 1; plus strand). Cytogenetic location: 15q14.
Variant type: single nucleotide variant.
Coding change: c.907A>C on transcript NM_152594.3 (MANE Select); coding-DNA position 907, A replaced by C.
Protein change: p.Ser303Arg; replaces serine 303 with arginine.
Molecular consequence: missense variant.
Genome position (GRCh38, 1-based): chr15:38,351,236, A>C. VCF-style: chr15-38351236-A-C. GRCh37 (hg19) VCF-style: chr15-38643437-A-C.
Other names: short protein forms S303R.
Identifiers: ClinVar variation 1371770 (VCV001371770.6), dbSNP rs2141016279, ClinGen allele CA391933518.

ClinVar aggregate classification (germline): Uncertain significance (1 of 4 stars; one submission).

Conditions:
Legius syndrome. Identifiers: Orphanet 137605, MedGen C1969623, MONDO:0012669, OMIM 611431. Disease mechanism: loss of function.

Submission:

Labcorp Genetics (formerly Invitae), Labcorp
Classification: Uncertain significance for Legius syndrome. Last evaluated: 2023-04-14. Review status: criteria provided, single submitter. Criteria: Invitae Variant Classification Sherloc (09022015). Collection method: clinical testing. Allele origin: germline.
Comment: This sequence change replaces serine, which is neutral and polar, with arginine, which is basic and polar, at codon 303 of the SPRED1 protein (p.Ser303Arg). This variant is not present in population databases (gnomAD no frequency). This variant has not been reported in the literature in individuals affected with SPRED1-related conditions. ClinVar contains an entry for this variant (Variation ID: 1371770). Advanced modeling of protein sequence and biophysical properties (such as structural, functional, and spatial information, amino acid conservation, physicochemical variation, residue mobility, and thermodynamic stability) performed at Invitae indicates that this missense variant is not expected to disrupt SPRED1 protein function. In summary, the available evidence is currently insufficient to determine the role of this variant in disease. Therefore, it has been classified as a Variant of Uncertain Significance.